The following is an entry in ClinVar:

ClinVar aggregate classification (germline): Conflicting classifications of pathogenicity. Review status: criteria provided, conflicting classifications (1 of 4 stars). 2 submissions from 2 submitters: Uncertain significance (1); Likely benign (1). Last evaluated 2025-05-07.

Conditions:
Cardiovascular phenotype. Identifiers: MedGen CN230736.

gnomAD v4.1: 7 of 1,614,202 alleles (0.00043%); highest among the groups gnomAD compares: South Asian, 0.0022%; no homozygotes.

Submissions (2):

Ambry Genetics
Classification: Likely benign for Cardiovascular phenotype. Last evaluated: 2025-05-07. Review status: criteria provided, single submitter. Criteria: Ambry Variant Classification Scheme 2023. Collection method: clinical testing. Allele origin: germline.

GeneDx
Classification: Uncertain significance. Last evaluated: 2023-11-20. Review status: criteria provided, single submitter. Criteria: GeneDx Variant Classification Process June 2021. Collection method: clinical testing. Allele origin: germline. Affected: yes.
Comment: Has not been previously published as pathogenic or benign to our knowledge; Not observed at significant frequency in large population cohorts (gnomAD); In silico analysis supports that this missense variant has a deleterious effect on protein structure/function

NM_002230.4(JUP):c.1217A>G (p.Asn406Ser)

Gene: JUP (junction plakoglobin; minus strand). Cytogenetic location: 17q21.2.
Variant type: single nucleotide variant.
Coding change: c.1217A>G on transcript NM_002230.4 (MANE Select); coding-DNA position 1217, A replaced by G.
Protein change: p.Asn406Ser; replaces asparagine 406 with serine.
Molecular consequence: missense variant.
Genome position (GRCh38, 1-based): chr17:41,763,263, T>C on the plus strand (A>G on the coding strand, the complement: JUP is on the minus strand). VCF-style: chr17-41763263-T-C. GRCh37 (hg19) VCF-style: chr17-39919515-T-C.
Other names: c.1217A>G, p.Asn406Ser (NM_001352773.2, NM_001352774.2, NM_001352775.2 and 3 more transcripts); short protein forms N406S.
Identifiers: ClinVar variation 3364624 (VCV003364624.2).